The following is an entry in ClinVar:

ClinVar aggregate classification (germline): Uncertain significance (1 of 4 stars; one submission).

Conditions:
ALG1-congenital disorder of glycosylation. Also called: ALG1-CDG; CONGENITAL DISORDER OF GLYCOSYLATION, TYPE Ik; CDG Ik. Identifiers: Orphanet 79327, MedGen C2931005, MONDO:0012052, OMIM 608540.

gnomAD v4.1: 2 of 1,596,356 alleles (0.00013%); highest among the groups gnomAD compares: Admixed American, 0.0033%; no homozygotes.

Submission:

Baylor Genetics
Classification: Uncertain significance for ALG1-congenital disorder of glycosylation. Last evaluated: 2018-07-30. Review status: criteria provided, single submitter. Criteria: ACMG Guidelines, 2015. Collection method: clinical testing. Allele origin: unknown. Affected: yes.
Comment: This variant was determined to be of uncertain significance according to ACMG Guidelines, 2015 [PMID:25741868].

NM_019109.5(ALG1):c.988A>G (p.Ser330Gly)

Gene: ALG1 (ALG1 chitobiosyldiphosphodolichol beta-mannosyltransferase; plus strand). Cytogenetic location: 16p13.3.
Variant type: single nucleotide variant.
Coding change: c.988A>G on transcript NM_019109.5 (MANE Select); coding-DNA position 988, A replaced by G.
Protein change: p.Ser330Gly; replaces serine 330 with glycine.
Molecular consequence: missense variant.
Genome position (GRCh38, 1-based): chr16:5,080,972, A>G. VCF-style: chr16-5080972-A-G. GRCh37 (hg19) VCF-style: chr16-5130973-A-G.
Other names: c.655A>G, p.Ser219Gly (NM_001330504.2); short protein forms S219G, S330G.
Identifiers: ClinVar variation 1032826 (VCV001032826.1), dbSNP rs764029645, ClinGen allele CA394672620.
Genomic context (GRCh38, chr16:5,080,972, plus strand): 5'-GGGTCCATGGCAGTGTCTGCTCTTCTCTGTGAAGGCAAAGGGCCTCTGAGGGAGTATTAT[A>G]GCCGCCTCATCCACCAGAAGCACTTCCAGCACATCCAGGTCTGCACCCCCTGGCTGGAGG-3'
Protein context (NP_061982.3, residues 320-340): TGKGPLREYY[Ser330Gly]RLIHQKHFQH